The following is an entry in ClinVar:

NM_001330723.2(SNX27):c.1240-2A>G

Gene: SNX27 (sorting nexin 27; plus strand). Cytogenetic location: 1q21.3.
Variant type: single nucleotide variant.
Coding change: c.1240-2A>G on transcript NM_001330723.2 (MANE Select); the canonical splice acceptor site of the intron before coding-DNA position 1240, A replaced by G.
Molecular consequence: splice acceptor variant.
Genome position (GRCh38, 1-based): chr1:151,692,433, A>G. VCF-style: chr1-151692433-A-G. GRCh37 (hg19) VCF-style: chr1-151664909-A-G.
Other names: c.1240-2A>G (NM_030918.6).
Identifiers: ClinVar variation 3658784 (VCV003658784.2).
Genomic context (GRCh38, chr1:151,692,433, plus strand): 5'-TACCATAGTAACCCTGTTTCCTGTTTCTCCTTCCTTTTTTTTTTTTTTTTTTTTTTTTTT[A>G]GTACCTCAACATGCTAAGGACTTGTGAGGGCTACAATGAAATCATCTTTCCCCACTGTGC-3'

ClinVar aggregate classification (germline): Likely pathogenic (1 of 4 stars; one submission).

Conditions:
Severe myoclonic epilepsy in infancy (DRVT). Also called: Dravet syndrome; Epileptic encephalopathy, early infantile, 6 (Dravet syndrome); SEVERE MYOCLONIC EPILEPSY OF INFANCY; DEVELOPMENTAL AND EPILEPTIC ENCEPHALOPATHY 6A; Severe Myoclonic Epilepsy in Infancy (SMEI). Identifiers: Orphanet 33069, MedGen C0751122, MONDO:0100135, OMIM 607208.

Submission:

Labcorp Genetics (formerly Invitae), Labcorp
Classification: Likely pathogenic for Severe myoclonic epilepsy in infancy. Last evaluated: 2024-09-21. Review status: criteria provided, single submitter. Criteria: Invitae Variant Classification Sherloc (09022015). Collection method: clinical testing. Allele origin: germline.
Comment: This sequence change affects an acceptor splice site in intron 8 of the SNX27 gene. It is expected to disrupt RNA splicing. Variants that disrupt the donor or acceptor splice site typically lead to a loss of protein function (PMID: 16199547), and loss-of-function variants in SNX27 are known to be pathogenic (PMID: 25894286). This variant is not present in population databases (gnomAD no frequency). This variant has not been reported in the literature in individuals affected with SNX27-related conditions. Algorithms developed to predict the effect of sequence changes on RNA splicing suggest that this variant may disrupt the consensus splice site. In summary, the currently available evidence indicates that the variant is pathogenic, but additional data are needed to prove that conclusively. Therefore, this variant has been classified as Likely Pathogenic.

Literature cited by the submitters: PubMed 16199547; PubMed 25894286.